The following is an entry in ClinVar:

ClinVar aggregate classification (germline): Likely pathogenic (1 of 4 stars; one submission).

Conditions:
Noonan syndrome 2 (NS2). Identifiers: Orphanet 648, MedGen C1854469, MONDO:0011531, OMIM 605275.

Allele frequency attached by ClinVar (database versions not stated): gnomAD exomes 0.00001.

Submission:

Institute of Human Genetics, University of Leipzig Medical Center
Classification: Likely pathogenic for Noonan syndrome 2. Last evaluated: 2020-09-08. Review status: criteria provided, single submitter. Criteria: ACMG Guidelines, 2015. Collection method: clinical testing. Allele origin: unknown. Affected: yes.
Comment: This variant was identified as compound heterozygous with NM_006767.3:c.1084C>T.

NM_006767.4(LZTR1):c.347C>G (p.Ala116Gly)

Gene: LZTR1 (leucine zipper like post translational regulator 1; plus strand). Cytogenetic location: 22q11.21.
Variant type: single nucleotide variant.
Coding change: c.347C>G on transcript NM_006767.4 (MANE Select); coding-DNA position 347, C replaced by G.
Protein change: p.Ala116Gly; replaces alanine 116 with glycine.
Molecular consequence: missense variant.
Genome position (GRCh38, 1-based): chr22:20,987,530, C>G. VCF-style: chr22-20987530-C-G. GRCh37 (hg19) VCF-style: chr22-21341819-C-G.
Other names: short protein forms A116G.
Identifiers: ClinVar variation 1285563 (VCV001285563.1), dbSNP rs1215353050, ClinGen allele CA410779302.